The following is an entry in ClinVar:

ClinVar aggregate classification (germline): Uncertain significance (1 of 4 stars; one submission).

Submission:

Labcorp Genetics (formerly Invitae), Labcorp
Classification: Uncertain significance. Last evaluated: 2024-04-13. Review status: criteria provided, single submitter. Criteria: Invitae Variant Classification Sherloc (09022015). Collection method: clinical testing. Allele origin: germline.
Comment: This sequence change replaces aspartic acid, which is acidic and polar, with asparagine, which is neutral and polar, at codon 648 of the PHF21A protein (p.Asp648Asn). This variant is not present in population databases (gnomAD no frequency). This variant has not been reported in the literature in individuals affected with PHF21A-related conditions. Advanced modeling of protein sequence and biophysical properties (such as structural, functional, and spatial information, amino acid conservation, physicochemical variation, residue mobility, and thermodynamic stability) performed at Invitae indicates that this missense variant is not expected to disrupt PHF21A protein function with a negative predictive value of 80%. In summary, the available evidence is currently insufficient to determine the role of this variant in disease. Therefore, it has been classified as a Variant of Uncertain Significance.

NM_001352027.3(PHF21A):c.1945G>A (p.Asp649Asn)

Gene: PHF21A (PHD finger protein 21A; minus strand). Cytogenetic location: 11p11.2.
Variant type: single nucleotide variant.
Coding change: c.1945G>A on transcript NM_001352027.3 (MANE Select); coding-DNA position 1945, G replaced by A.
Protein change: p.Asp649Asn; replaces aspartic acid 649 with asparagine.
Molecular consequence: missense variant. On other transcripts: non-coding transcript variant (2).
Genome position (GRCh38, 1-based): chr11:45,934,069, C>T on the plus strand (G>A on the coding strand, the complement: PHF21A is on the minus strand). VCF-style: chr11-45934069-C-T. GRCh37 (hg19) VCF-style: chr11-45955620-C-T.
Other names: c.1942G>A, p.Asp648Asn (NM_001101802.3); c.1945G>A, p.Asp649Asn (NM_001352025.3, NM_001352026.3); c.1804G>A, p.Asp602Asn (NM_001352028.1, NM_001352029.1, NM_016621.5); c.1801G>A, p.Asp601Asn (NM_001352030.3, NM_001352031.3, NM_001352032.3); short protein forms D601N, D648N, D649N, D602N.
Identifiers: ClinVar variation 3649745 (VCV003649745.2).